The following is an entry in ClinVar:

NM_000551.4(VHL):c.*2715C>T

Genes: VHL (von Hippel-Lindau tumor suppressor; plus strand), LOC107303340 (3p25 von Hippel-Lindau tumor suppressor, E3 ubiquitin protein ligase Alu-mediated recombination region; plus strand). Cytogenetic location: 3p25.3.
Variant type: single nucleotide variant.
Coding change: c.*2715C>T on transcript NM_000551.4 (MANE Select); 2715 bases downstream of the stop codon, C replaced by T.
Molecular consequence: 3 prime UTR variant.
Genome position (GRCh38, 1-based): chr3:10,152,680, C>T. VCF-style: chr3-10152680-C-T. GRCh37 (hg19) VCF-style: chr3-10194364-C-T.
Other names: c.*2911C>T (NM_001354723.2); c.*2715C>T (NM_198156.3).
Identifiers: ClinVar variation 342483 (VCV000342483.5), dbSNP rs578053681, ClinGen allele CA10616703.

ClinVar aggregate classification (germline): Benign (1 of 4 stars; one submission).

Conditions:
Von Hippel-Lindau syndrome (VHLS). Also called: Von Hippel-Lindau; von Hippel–Lindau syndrome; VHL syndrome. Identifiers: Orphanet 892, MedGen C0019562, MONDO:0008667, OMIM 193300. Disease mechanism: loss of function.

Allele frequency attached by ClinVar (database versions not stated): gnomAD 0.00001 and 0.00003; 1000 Genomes Project 30x 0.00031; 1000 Genomes Project 0.00040.
gnomAD v4.1: 4 of 151,054 alleles (0.0026%); highest among the groups gnomAD compares: South Asian, 0.042%; no homozygotes.

Submission:

Illumina Laboratory Services, Illumina
Classification: Benign for Von Hippel-Lindau syndrome. Last evaluated: 2018-01-12. Review status: criteria provided, single submitter. Criteria: ICSL Variant Classification Criteria 13 December 2019. Collection method: clinical testing. Allele origin: germline.
Comment: This variant was observed in the ICSL laboratory as part of a predisposition screen in an ostensibly healthy population. It had not been previously curated by ICSL or reported in the Human Gene Mutation Database (HGMD: prior to June 1st, 2018), and was therefore a candidate for classification through an automated scoring system. Utilizing variant allele frequency, disease prevalence and penetrance estimates, and inheritance mode, an automated score was calculated to assess if this variant is too frequent to cause the disease. Based on the score and internal cut-off values, a variant classified as benign is not then subjected to further curation. The score for this variant resulted in a classification of benign for this disease.